The following is an entry in ClinVar:

ClinVar aggregate classification (germline): Uncertain significance (1 of 4 stars; one submission).

Conditions:
Leigh syndrome (NULS). Also called: Leigh's syndrome; Leigh Disease; Subacute necrotizing encephalopathy; Necrotizing encephalopathy infantile subacute of Leigh; Leigh Syndrome (mtDNA deletion); Leigh's necrotizing encephalopathy. Identifiers: Orphanet 506, MedGen C2931891, MONDO:0009723, OMIM 256000.

gnomAD v4.1: 179 of 1,614,002 alleles (0.011%); highest among the groups gnomAD compares: Non-Finnish European, 0.014%; no homozygotes.

Submission:

GeneDx
Classification: Uncertain significance. Last evaluated: 2025-01-09. Review status: criteria provided, single submitter. Criteria: GeneDx Variant Classification Process June 2021. Collection method: clinical testing. Allele origin: germline. Affected: yes.
Comment: In silico analysis supports that this missense variant has a deleterious effect on protein structure/function; Has not been previously published as pathogenic or benign to our knowledge

NM_018838.5(NDUFA12):c.245T>A (p.Val82Glu)

Gene: NDUFA12 (NADH:ubiquinone oxidoreductase subunit A12; minus strand). Cytogenetic location: 12q22.
Variant type: single nucleotide variant.
Coding change: c.245T>A on transcript NM_018838.5 (MANE Select); coding-DNA position 245, T replaced by A.
Protein change: p.Val82Glu; replaces valine 82 with glutamic acid.
Molecular consequence: missense variant. On other transcripts: intron variant (1).
Genome position (GRCh38, 1-based): chr12:94,994,182, A>T on the plus strand (T>A on the coding strand, the complement: NDUFA12 is on the minus strand). VCF-style: chr12-94994182-A-T. GRCh37 (hg19) VCF-style: chr12-95387958-A-T.
Other names: c.169+8557T>A (NM_001258338.2); short protein forms V82E.
Identifiers: ClinVar variation 3901269 (VCV003901269.2).